The following is an entry in ClinVar:

NM_004068.4(AP2M1):c.97C>T (p.Arg33Trp)

Gene: AP2M1 (adaptor related protein complex 2 subunit mu 1; plus strand). Cytogenetic location: 3q27.1.
Variant type: single nucleotide variant.
Coding change: c.97C>T on transcript NM_004068.4 (MANE Select); coding-DNA position 97, C replaced by T.
Protein change: p.Arg33Trp; replaces arginine 33 with tryptophan.
Molecular consequence: missense variant.
Genome position (GRCh38, 1-based): chr3:184,178,879, C>T. VCF-style: chr3-184178879-C-T. GRCh37 (hg19) VCF-style: chr3-183896667-C-T.
Other names: c.97C>T, p.Arg33Trp (NM_001025205.2); c.172C>T, p.Arg58Trp (NM_001311198.2); short protein forms R33W, R58W.
Identifiers: ClinVar variation 3254703 (VCV003254703.1), dbSNP rs2473719280.

ClinVar aggregate classification (germline): Uncertain significance (1 of 4 stars; one submission).

Conditions:
Intellectual developmental disorder 60 with seizures. Also called: MENTAL RETARDATION, AUTOSOMAL DOMINANT 60, WITH SEIZURES; INTELLECTUAL DEVELOPMENTAL DISORDER, AUTOSOMAL DOMINANT 60, WITH SEIZURES. Identifiers: MedGen C5231497, MONDO:0032823, OMIM 618587.

Submission:

Victorian Clinical Genetics Services, Murdoch Childrens Research Institute
Classification: Uncertain significance for Intellectual developmental disorder 60 with seizures. Last evaluated: 2023-07-17. Review status: criteria provided, single submitter. Criteria: ACMG Guidelines, 2015. Collection method: clinical testing. Allele origin: germline. Inheritance: Autosomal dominant inheritance. Affected: yes.
Comment: Based on the classification scheme VCGS_Germline_v1.3.4, this variant is classified as VUS-3A. Following criteria are met: 0105 - The mechanism of disease for this gene is not clearly established. However, functional studies have shown a single missense variant to result in defects in clathrin-mediated endocytosis (PMID: 31104773). (I) 0107 - This gene is associated with autosomal dominant disease. (I) 0200 - Variant is predicted to result in a missense amino acid change from arginine to tryptophan. (I) 0251 - This variant is heterozygous. (I) 0301 - Variant is absent from gnomAD (both v2 and v3). (SP) 0501 - Missense variant consistently predicted to be damaging by multiple in silico tools or highly conserved with a major amino acid change. (SP) 0600 - Variant is located in the annotated clathrin adaptor complex small chain (DECIPHER). (I) 0708 - Another missense variant comparable to the one identified in this case has conflicting previous evidence for pathogenicity. This alternative change (p.(Arg33Gln)) has been reported as a VUS and as likely pathogenic, in two individuals with features including atrial septal defect, Pierre Robin sequence, dysmorphism, motor dyskinesia, and intellectual disability. In both individuals, the variant was de novo (PMID: 34321325, DECIPHER). (I) 0807 - This variant has no previous evidence of pathogenicity. (I) 0905 - No published segregation evidence has been identified for this variant. (I) 1007 - No published functional evidence has been identified for this variant. (I) 1208 - Inheritance information for this variant is not currently available in this individual. (I) Legend: (SP) - Supporting pathogenic, (I) - Information, (SB) - Supporting benign

Literature cited by the submitters: PubMed 31104773; PubMed 34321325.